The following is an entry in ClinVar:

ClinVar aggregate classification (germline): Uncertain significance (1 of 4 stars; one submission).

Allele frequency attached by ClinVar (database versions not stated): gnomAD exomes below 0.00001 and 0.00001; ExAC 0.00001; gnomAD 0.00001.
gnomAD v4.1: 12 of 1,613,742 alleles (0.00074%); highest among the groups gnomAD compares: Non-Finnish European, 0.001%; no homozygotes.

Submission:

Labcorp Genetics (formerly Invitae), Labcorp
Classification: Uncertain significance. Last evaluated: 2022-03-14. Review status: criteria provided, single submitter. Criteria: Invitae Variant Classification Sherloc (09022015). Collection method: clinical testing. Allele origin: germline.
Comment: This sequence change replaces arginine, which is basic and polar, with glycine, which is neutral and non-polar, at codon 1491 of the LAMC3 protein (p.Arg1491Gly). The frequency data for this variant in the population databases is considered unreliable, as metrics indicate poor data quality at this position in the gnomAD database. This variant has not been reported in the literature in individuals affected with LAMC3-related conditions. Algorithms developed to predict the effect of missense changes on protein structure and function output the following: SIFT: "Tolerated"; PolyPhen-2: "Benign"; Align-GVGD: "Class C0". The glycine amino acid residue is found in multiple mammalian species, which suggests that this missense change does not adversely affect protein function. In summary, the available evidence is currently insufficient to determine the role of this variant in disease. Therefore, it has been classified as a Variant of Uncertain Significance.

NM_006059.4(LAMC3):c.4471A>G (p.Arg1491Gly)

Gene: LAMC3 (laminin subunit gamma 3; plus strand). Cytogenetic location: 9q34.12.
Variant type: single nucleotide variant.
Coding change: c.4471A>G on transcript NM_006059.4 (MANE Select); coding-DNA position 4471, A replaced by G.
Protein change: p.Arg1491Gly; replaces arginine 1491 with glycine.
Molecular consequence: missense variant.
Genome position (GRCh38, 1-based): chr9:131,087,811, A>G. VCF-style: chr9-131087811-A-G. GRCh37 (hg19) VCF-style: chr9-133963198-A-G.
Other names: short protein forms R1491G.
Identifiers: ClinVar variation 1411601 (VCV001411601.3), dbSNP rs775633231, ClinGen allele CA5288185.